The following is an entry in ClinVar:

NM_014208.3(DSPP):c.496G>A (p.Asp166Asn)

Genes: DMP1-AS1 (DMP1 and DSPP antisense RNA 1; minus strand), DSPP (dentin sialophosphoprotein; plus strand). Cytogenetic location: 4q22.1.
Variant type: single nucleotide variant.
Coding change: c.496G>A on transcript NM_014208.3 (MANE Select); coding-DNA position 496, G replaced by A.
Protein change: p.Asp166Asn; replaces aspartic acid 166 with asparagine.
Molecular consequence: missense variant.
Genome position (GRCh38, 1-based): chr4:87,612,682, G>A. VCF-style: chr4-87612682-G-A. GRCh37 (hg19) VCF-style: chr4-88533834-G-A.
Other names: short protein forms D166N.
Identifiers: ClinVar variation 4998563 (VCV004998563.1).

ClinVar aggregate classification (germline): Uncertain significance (1 of 4 stars; one submission).

Conditions:
DSPP-related disorder. Also called: DSPP-related condition.

gnomAD v4.1: 6 of 1,614,044 alleles (0.00037%); highest among the groups gnomAD compares: Admixed American, 0.0017%; no homozygotes.

Submission:

PreventionGenetics, part of Exact Sciences
Classification: Uncertain significance for DSPP-related condition. Last evaluated: 2025-02-18. Review status: criteria provided, single submitter. Criteria: ACMG Guidelines, 2015. Collection method: clinical testing. Allele origin: germline.
Comment: The DSPP c.496G>A variant is predicted to result in the amino acid substitution p.Asp166Asn. To our knowledge, this variant has not been reported in the literature. This variant is reported in 0.0027% of alleles in individuals of European (Non-Finnish) descent in gnomAD. At this time, the clinical significance of this variant is uncertain due to the absence of conclusive functional and genetic evidence.